The following is an entry in ClinVar:

NM_004369.4(COL6A3):c.2362C>T (p.Gln788Ter)

Gene: COL6A3 (collagen type VI alpha 3 chain; minus strand). Cytogenetic location: 2q37.3.
Variant type: single nucleotide variant.
Coding change: c.2362C>T on transcript NM_004369.4 (MANE Select); coding-DNA position 2362, C replaced by T.
Protein change: p.Gln788Ter; replaces glutamine 788 with a stop codon.
Molecular consequence: nonsense. On other transcripts: intron variant (1).
Genome position (GRCh38, 1-based): chr2:237,378,771, G>A on the plus strand (C>T on the coding strand, the complement: COL6A3 is on the minus strand). VCF-style: chr2-237378771-G-A. GRCh37 (hg19) VCF-style: chr2-238287414-G-A.
Other names: c.1141C>T, p.Gln381Ter (NM_057164.5); c.1744C>T, p.Gln582Ter (NM_057165.5, NM_057167.4); c.677-1427C>T (NM_057166.5); short protein forms Q381*, Q582*, Q788*.
Identifiers: ClinVar variation 1076925 (VCV001076925.7), dbSNP rs948586287, ClinGen allele CA351213009.

ClinVar aggregate classification (germline): Pathogenic (1 of 4 stars; one submission).

Conditions:
Bethlem myopathy 1A. Also called: MYOPATHY, BENIGN CONGENITAL, WITH CONTRACTURES; Bethlem Muscular Dystrophy; Bethlem myopathy 1. Identifiers: Orphanet 610, MedGen CN029274, MONDO:0024530, OMIM 158810.

Allele frequency attached by ClinVar (database versions not stated): gnomAD 0.00001; gnomAD exomes 0.00001; TOPMed 0.00001.
gnomAD v4.1: 5 of 1,614,108 alleles (0.00031%); highest among the groups gnomAD compares: Admixed American, 0.0083%; no homozygotes.

Submission:

Labcorp Genetics (formerly Invitae), Labcorp
Classification: Pathogenic for Bethlem myopathy 1A. Last evaluated: 2022-03-18. Review status: criteria provided, single submitter. Criteria: Invitae Variant Classification Sherloc (09022015). Collection method: clinical testing. Allele origin: germline.
Comment: This sequence change creates a premature translational stop signal (p.Gln788*) in the COL6A3 gene. It is expected to result in an absent or disrupted protein product. Loss-of-function variants in COL6A3 are known to be pathogenic (PMID: 26004199). This variant is present in population databases (no rsID available, gnomAD 0.003%). This variant has not been reported in the literature in individuals affected with COL6A3-related conditions. ClinVar contains an entry for this variant (Variation ID: 1076925). Algorithms developed to predict the effect of sequence changes on RNA splicing suggest that this variant may disrupt the consensus splice site. For these reasons, this variant has been classified as Pathogenic.

Literature cited by the submitters: PubMed 26004199.